The following is an entry in ClinVar:

NC_000007.13:g.(?_21906149)_(21912323_?)del

Gene: DNAH11 (dynein axonemal heavy chain 11; plus strand). Cytogenetic location: 7p15.3.
Variant type: Deletion.
Identifiers: ClinVar variation 3245648 (VCV003245648.1).

ClinVar aggregate classification (germline): Likely pathogenic (1 of 4 stars; one submission).

Conditions:
Primary ciliary dyskinesia. Also called: Ciliary dyskinesia. Identifiers: Orphanet 244, MedGen C0008780, MONDO:0016575, HP:0012265.

Submission:

Labcorp Genetics (formerly Invitae), Labcorp
Classification: Likely pathogenic for Primary ciliary dyskinesia. Last evaluated: 2023-07-14. Review status: criteria provided, single submitter. Criteria: Invitae Variant Classification Sherloc (09022015). Collection method: clinical testing. Allele origin: unknown.
Comment: This variant results in the deletion of exon(s) 72-73 and part of exon 71 (c.11558_11968-569del) of the DNAH11 gene. It is expected to disrupt RNA splicing. Variants that disrupt the donor or acceptor splice site typically lead to a loss of protein function (PMID: 16199547), and loss-of-function variants in DNAH11 are known to be pathogenic (PMID: 18022865, 20513915, 22184204). This variant has not been reported in the literature in individuals affected with DNAH11-related conditions. In summary, the currently available evidence indicates that the variant is pathogenic, but additional data are needed to prove that conclusively. Therefore, this variant has been classified as Likely Pathogenic.

Literature cited by the submitters: PubMed 16199547; PubMed 18022865; PubMed 20513915; PubMed 22184204.